The following is an entry in ClinVar:

NM_001692.4(ATP6V1B1):c.1397C>T (p.Ser466Leu)

Gene: ATP6V1B1 (ATPase H+ transporting V1 subunit B1; plus strand). Cytogenetic location: 2p13.3.
Variant type: single nucleotide variant.
Coding change: c.1397C>T on transcript NM_001692.4 (MANE Select); coding-DNA position 1397, C replaced by T.
Protein change: p.Ser466Leu; replaces serine 466 with leucine.
Molecular consequence: missense variant.
Genome position (GRCh38, 1-based): chr2:70,964,976, C>T. VCF-style: chr2-70964976-C-T. GRCh37 (hg19) VCF-style: chr2-71192106-C-T.
Other names: c.1397C>T (NM_001692.3); short protein forms S466L.
Identifiers: ClinVar variation 2159591 (VCV002159591.2), dbSNP rs781804904, ClinGen allele CA1701357.

ClinVar aggregate classification (germline): Uncertain significance. Review status: criteria provided, multiple submitters, no conflicts (2 of 4 stars). 2 submissions from 2 submitters: Uncertain significance (2). Last evaluated 2023-11-20.

Conditions:
Inborn genetic diseases. Identifiers: MedGen C0950123, MeSH D030342.

Allele frequency attached by ClinVar (database versions not stated): ExAC 0.00001.
gnomAD v4.1: 8 of 1,613,848 alleles (0.0005%); highest among the groups gnomAD compares: South Asian, 0.0066%; no homozygotes.

Submissions (2):

Ambry Genetics
Classification: Uncertain significance for Inborn genetic diseases. Last evaluated: 2023-11-20. Review status: criteria provided, single submitter. Criteria: Ambry Variant Classification Scheme 2023. Collection method: clinical testing. Allele origin: germline.

Labcorp Genetics (formerly Invitae), Labcorp
Classification: Uncertain significance. Last evaluated: 2022-04-11. Review status: criteria provided, single submitter. Criteria: Invitae Variant Classification Sherloc (09022015). Collection method: clinical testing. Allele origin: germline.
Comment: This sequence change replaces serine, which is neutral and polar, with leucine, which is neutral and non-polar, at codon 466 of the ATP6V1B1 protein (p.Ser466Leu). This variant is present in population databases (rs781804904, gnomAD 0.003%). This variant has not been reported in the literature in individuals affected with ATP6V1B1-related conditions. Algorithms developed to predict the effect of missense changes on protein structure and function are either unavailable or do not agree on the potential impact of this missense change (SIFT: "Deleterious"; PolyPhen-2: "Benign"; Align-GVGD: "Class C0"). In summary, the available evidence is currently insufficient to determine the role of this variant in disease. Therefore, it has been classified as a Variant of Uncertain Significance.